The following is an entry in ClinVar:

NM_001384474.1(LOXHD1):c.2914G>A (p.Glu972Lys)

Gene: LOXHD1 (lipoxygenase homology PLAT domains 1; minus strand). Cytogenetic location: 18q21.1.
Variant type: single nucleotide variant.
Coding change: c.2914G>A on transcript NM_001384474.1 (MANE Select); coding-DNA position 2914, G replaced by A.
Protein change: p.Glu972Lys; replaces glutamic acid 972 with lysine.
Molecular consequence: missense variant.
Genome position (GRCh38, 1-based): chr18:46,560,230, C>T on the plus strand (G>A on the coding strand, the complement: LOXHD1 is on the minus strand). VCF-style: chr18-46560230-C-T. GRCh37 (hg19) VCF-style: chr18-44140193-C-T.
Other names: c.2914G>A, p.Glu972Lys (NM_144612.7); short protein forms E972K.
Identifiers: ClinVar variation 228822 (VCV000228822.33), dbSNP rs367630521, ClinGen allele CA8952596.

ClinVar aggregate classification (germline): Conflicting classifications of pathogenicity. Review status: criteria provided, conflicting classifications (1 of 4 stars). 9 submissions from 9 submitters: Uncertain significance (5); Likely benign (2). 2 of the submissions do not count toward it. Last evaluated 2026-01-28.

Conditions:
LOXHD1-related disorder. Also called: LOXHD1-related condition.
Autosomal recessive nonsyndromic hearing loss 77. Identifiers: Orphanet 90636, MedGen C2746083, MONDO:0013119, OMIM 613079.

Allele frequency attached by ClinVar (database versions not stated): gnomAD exomes 0.00011 and 0.00031; ExAC 0.00051; 1000 Genomes Project 0.00080; ESP Exome Variant Server 0.00088; gnomAD 0.00123 and 0.00138; TOPMed 0.00138.
gnomAD v4.1: 353 of 1,551,574 alleles (0.023%); highest among the groups gnomAD compares: African/African-American, 0.43%; 2 homozygotes.

Submissions (9):

Labcorp Genetics (formerly Invitae), Labcorp
Classification: Likely benign. Last evaluated: 2026-01-28. Review status: criteria provided, single submitter. Criteria: Invitae Variant Classification Sherloc (09022015). Collection method: clinical testing. Allele origin: germline.

Blueprint Genetics
Classification: Uncertain significance. Last evaluated: 2024-09-13. Review status: criteria provided, single submitter. Criteria: ACMG Guidelines, 2015. Collection method: clinical testing. Allele origin: germline.

ARUP Laboratories, Molecular Genetics and Genomics, ARUP Laboratories
Classification: Likely benign for Autosomal recessive nonsyndromic hearing loss 77. Last evaluated: 2019-09-12. Review status: criteria provided, single submitter. Criteria: ARUP Molecular Germline Variant Investigation Process. Collection method: clinical testing. Allele origin: germline.

Illumina Laboratory Services, Illumina
Classification: Uncertain significance for Autosomal recessive nonsyndromic hearing loss 77. Last evaluated: 2018-01-13. Review status: criteria provided, single submitter. Criteria: ICSL Variant Classification Criteria 13 December 2019. Collection method: clinical testing. Allele origin: germline.

Eurofins Ntd Llc (ga)
Classification: Uncertain significance. Last evaluated: 2017-04-03. Review status: criteria provided, single submitter. Criteria: EGL Classification Definitions 2015. Collection method: clinical testing. Allele origin: germline. Observed: 2 variant alleles, 2 heterozygotes.

Laboratory for Molecular Medicine, Mass General Brigham Personalized Medicine
Classification: Uncertain significance. Last evaluated: 2016-01-03. Review status: criteria provided, single submitter. Criteria: LMM Criteria. Collection method: clinical testing. Allele origin: germline. Observed: 1 variant allele.
Comment: Variant classified as Uncertain Significance - Favor Benign. The p.Glu972Lys var iant in LOXHD1 has not been previously reported in individuals with hearing loss , but has been identified in 0.32% (9/2784) of African chromosomes by the Exome Aggregation Consortium (ExAC; dbSNP rs367630521) . Computational prediction tools and conservation analysis suggest that the p.Gl u972Lys variant may not impact the protein, though this information is not predi ctive enough to rule out pathogenicity. In summary, while the clinical significa nce of the p.Glu972Lys variant is uncertain, these data suggest that it is more likely to be benign.

UNC Molecular Genetics  Laboratory, University of North Carolina at Chapel Hill
Classification: Uncertain significance for Deafness, autosomal recessive 77. Review status: criteria provided, single submitter. Criteria: ACMG Guidelines, 2015. Collection method: research. Allele origin: germline. Affected: yes. Observed: 1 variant allele. Study: NSIGHT-NC NEXUS.
Comment: The LOXHD1 c.2914G>A (p.E972K) missense variant has not been reported in association with hearing loss; therefore is a variant of uncertain significance.

PreventionGenetics, part of Exact Sciences
Classification: Likely benign for LOXHD1-related condition. Last evaluated: 2024-06-17. Review status: no assertion criteria provided. Collection method: clinical testing. Allele origin: germline. Not counted in ClinVar's aggregate classification.
Comment: This variant is classified as likely benign based on ACMG/AMP sequence variant interpretation guidelines (Richards et al. 2015 PMID: 25741868, with internal and published modifications).

Natera, Inc.
Classification: Uncertain significance for Autosomal recessive deafness type 77. Last evaluated: 2020-01-08. Review status: no assertion criteria provided. Collection method: clinical testing. Allele origin: germline. Not counted in ClinVar's aggregate classification.